The following is an entry in ClinVar:

NM_022047.4(DEF6):c.898C>T (p.Arg300Cys)

Gene: DEF6 (DEF6 guanine nucleotide exchange factor; plus strand). Cytogenetic location: 6p21.31.
Variant type: single nucleotide variant.
Coding change: c.898C>T on transcript NM_022047.4 (MANE Select); coding-DNA position 898, C replaced by T.
Protein change: p.Arg300Cys; replaces arginine 300 with cysteine.
Molecular consequence: missense variant.
Genome position (GRCh38, 1-based): chr6:35,317,981, C>T. VCF-style: chr6-35317981-C-T. GRCh37 (hg19) VCF-style: chr6-35285758-C-T.
Other names: short protein forms R300C.
Identifiers: ClinVar variation 4820802 (VCV004820802.4).
Genomic context (GRCh38, chr6:35,317,981, plus strand): 5'-ATGTTCTGTGTGAAGACAGCCAACCGCACGTATGAGATGAGCGCCTCAGACACGCGCCAG[C>T]GCCAGGAGTGGACAGCTGGTGAGTGCTCGCTAGGTGGCTTGGGTCTGGGTGGTCCTTAGG-3'
Protein context (NP_071330.3, residues 290-310): YEMSASDTRQ[Arg300Cys]QEWTAAIQMA

ClinVar aggregate classification (germline): Uncertain significance (1 of 4 stars; one submission).

Submission:

CeGaT Center for Human Genetics Tuebingen
Classification: Uncertain significance. Last evaluated: 2026-03-01. Review status: criteria provided, single submitter. Criteria: CeGaT Center For Human Genetics Tuebingen Variant Classification Criteria Version 2. Collection method: clinical testing. Allele origin: germline. Affected: yes. Observed: 1 variant allele.
Comment: DEF6: PM2